The following is an entry in ClinVar:

NM_033100.4(CDHR1):c.1070G>A (p.Ser357Asn)

Gene: CDHR1 (cadherin related family member 1; plus strand). Cytogenetic location: 10q23.1.
Variant type: single nucleotide variant.
Coding change: c.1070G>A on transcript NM_033100.4 (MANE Select); coding-DNA position 1070, G replaced by A.
Protein change: p.Ser357Asn; replaces serine 357 with asparagine.
Molecular consequence: missense variant.
Genome position (GRCh38, 1-based): chr10:84,208,280, G>A. VCF-style: chr10-84208280-G-A. GRCh37 (hg19) VCF-style: chr10-85968036-G-A.
Other names: c.1070G>A, p.Ser357Asn (NM_001171971.3); short protein forms S357N.
Identifiers: ClinVar variation 1921961 (VCV001921961.2), dbSNP rs768235636, ClinGen allele CA5579829.
Genomic context (GRCh38, chr10:84,208,280, plus strand): 5'-TCCCAGTCACCATCAGGATTGTGGACCTCAACAACCACCCGCCAACATTCTATGGAGAGA[G>A]CGGACCCCAAAACAGGTTTGAGCTGTCCATGAATGAGCACCCACCCCAGGGAGAGATCCT-3'
Protein context (NP_149091.1, residues 347-367): NNHPPTFYGE[Ser357Asn]GPQNRFELSM

ClinVar aggregate classification (germline): Uncertain significance (1 of 4 stars; one submission).

Allele frequency attached by ClinVar (database versions not stated): TOPMed below 0.00001; ExAC 0.00001; gnomAD exomes 0.00001.

Submission:

Labcorp Genetics (formerly Invitae), Labcorp
Classification: Uncertain significance. Last evaluated: 2022-08-23. Review status: criteria provided, single submitter. Criteria: Invitae Variant Classification Sherloc (09022015). Collection method: clinical testing. Allele origin: germline.
Comment: This sequence change replaces serine, which is neutral and polar, with asparagine, which is neutral and polar, at codon 357 of the CDHR1 protein (p.Ser357Asn). This variant is present in population databases (rs768235636, gnomAD 0.02%). This variant has not been reported in the literature in individuals affected with CDHR1-related conditions. Advanced modeling of protein sequence and biophysical properties (such as structural, functional, and spatial information, amino acid conservation, physicochemical variation, residue mobility, and thermodynamic stability) performed at Invitae indicates that this missense variant is not expected to disrupt CDHR1 protein function. In summary, the available evidence is currently insufficient to determine the role of this variant in disease. Therefore, it has been classified as a Variant of Uncertain Significance.